The following is an entry in ClinVar:

ClinVar aggregate classification (germline): Benign. Review status: criteria provided, multiple submitters, no conflicts (2 of 4 stars). 15 submissions from 12 submitters: Benign (10). 5 of the submissions do not count toward it. Last evaluated 2026-01-27.

Conditions:
Autosomal recessive limb-girdle muscular dystrophy type 2J (LGMDR10). Also called: Limb-girdle muscular dystrophy, type 2J; MUSCULAR DYSTROPHY, LIMB-GIRDLE, AUTOSOMAL RECESSIVE 10. Identifiers: Orphanet 140922, MedGen C1837342, MONDO:0012127, OMIM 608807.
Dilated cardiomyopathy 1G (CMD1G). Identifiers: Orphanet 154, MedGen C1858763, MONDO:0011400, OMIM 604145.
Myopathy, myofibrillar, 9, with early respiratory failure (MFM9). Also called: Hereditary myopathy with early respiratory failure; Myopathy, distal, with early respiratory failure, autosomal dominant; EDSTROM MYOPATHY; MYOPATHY, PROXIMAL, WITH EARLY RESPIRATORY MUSCLE INVOLVEMENT. Identifiers: Orphanet 178464, Orphanet 34521, MedGen C1863599, MONDO:0011362, OMIM 603689.
Tibial muscular dystrophy (TMD). Also called: UDD MYOPATHY; Udd Distal Myopathy – Tibial Muscular Dystrophy; Tibial muscular dystrophy, tardive. Identifiers: Orphanet 609, MedGen C1838244, MONDO:0010870, OMIM 600334.
Early-onset myopathy with fatal cardiomyopathy (CMYO5). Also called: Salih Myopathy; CONGENITAL MYOPATHY 5 WITH CARDIOMYOPATHY. Identifiers: Orphanet 289377, MedGen C2673677, MONDO:0012714, OMIM 611705. Disease mechanism: loss of function.
Hypertrophic cardiomyopathy 9. Also called: Familial hypertrophic cardiomyopathy 9. Identifiers: MedGen C1861065, MONDO:0013412, OMIM 613765.

Allele frequency attached by ClinVar (database versions not stated): TOPMed 0.00116; gnomAD exomes 0.03437 and 0.13962; ExAC 0.04817; gnomAD 0.16798 and 0.17128; 1000 Genomes Project 30x 0.25109; 1000 Genomes Project 0.99661.

Submissions (15):

Labcorp Genetics (formerly Invitae), Labcorp
Classification: Benign for Dilated cardiomyopathy 1G; Autosomal recessive limb-girdle muscular dystrophy type 2J. Last evaluated: 2026-01-27. Review status: criteria provided, single submitter. Criteria: Invitae Variant Classification Sherloc (09022015). Collection method: clinical testing. Allele origin: germline.

Blueprint Genetics
Classification: Benign. Last evaluated: 2024-11-26. Review status: criteria provided, single submitter. Criteria: ACMG Guidelines, 2015. Collection method: clinical testing. Allele origin: germline.

Fulgent Genetics
Classification: Benign for Tibial muscular dystrophy; Myopathy, myofibrillar, 9, with early respiratory failure; Dilated cardiomyopathy 1G; Autosomal recessive limb-girdle muscular dystrophy type 2J; Early-onset myopathy with fatal cardiomyopathy; Hypertrophic cardiomyopathy 9. Last evaluated: 2021-10-25. Review status: criteria provided, single submitter. Criteria: ACMG Guidelines, 2015. Collection method: clinical testing. Allele origin: unknown.

Genome-Nilou Lab
Classification: Benign for Autosomal recessive limb-girdle muscular dystrophy type 2J. Last evaluated: 2021-09-10. Review status: criteria provided, single submitter. Criteria: ACMG Guidelines, 2015. Collection method: clinical testing. Allele origin: germline. Affected: no.

Genome-Nilou Lab
Classification: Benign for Myopathy, myofibrillar, 9, with early respiratory failure. Last evaluated: 2021-09-10. Review status: criteria provided, single submitter. Criteria: ACMG Guidelines, 2015. Collection method: clinical testing. Allele origin: germline. Affected: no.

Genome-Nilou Lab
Classification: Benign for Early-onset myopathy with fatal cardiomyopathy. Last evaluated: 2021-09-10. Review status: criteria provided, single submitter. Criteria: ACMG Guidelines, 2015. Collection method: clinical testing. Allele origin: germline. Affected: no.

Genome-Nilou Lab
Classification: Benign for Tibial muscular dystrophy. Last evaluated: 2021-09-10. Review status: criteria provided, single submitter. Criteria: ACMG Guidelines, 2015. Collection method: clinical testing. Allele origin: germline. Affected: no.

Women's Health and Genetics/Laboratory Corporation of America, LabCorp
Classification: Benign. Last evaluated: 2019-11-07. Review status: criteria provided, single submitter. Criteria: LabCorp Variant Classification Summary - May 2015. Collection method: clinical testing. Allele origin: germline.
Comment: Variant summary: TTN c.8902+14delT alters a nucleotide located close to a canonical splice site and therefore could affect mRNA splicing, leading to a significantly altered protein sequence. 5/5 computational tools predict no significant impact on normal splicing. However, these predictions have yet to be confirmed by functional studies. The variant allele was found at a frequency of 0.034 in 230884 control chromosomes, predominantly at a frequency of 0.09 within the East Asian subpopulation in the gnomAD database, including 386 homozygotes. The observed variant frequency within East Asian control individuals in the gnomAD database is approximately 144-folds over the estimated maximal expected allele frequency for a pathogenic variant in TTN causing Cardiomyopathy phenotype (0.00063), strongly suggesting that the variant is a benign polymorphism found primarily in populations of East Asian origin. A ClinVar submission (evaluation after 2014) cites the variant as benign. Based on the evidence outlined above, the variant was classified as benign.

GeneDx
Classification: Benign. Last evaluated: 2018-05-31. Review status: criteria provided, single submitter. Criteria: GeneDx Variant Classification Process June 2021. Collection method: clinical testing. Allele origin: germline. Affected: yes.

Mayo Clinic Laboratories, Mayo Clinic
Classification: Benign. Last evaluated: 2015-03-26. Review status: criteria provided, single submitter. Criteria: ACMG Guidelines, 2015. Collection method: clinical testing. Allele origin: germline. Observed: 218 variant alleles.

Clinical Genetics, Academic Medical Center
Classification: Benign. Review status: no assertion criteria provided. Collection method: clinical testing. Allele origin: germline. Affected: yes. Study: VKGL Data-share Consensus. Not counted in ClinVar's aggregate classification.

Diagnostic Laboratory, Department of Genetics, University Medical Center Groningen
Classification: Likely benign. Review status: no assertion criteria provided. Collection method: clinical testing. Allele origin: germline. Affected: yes. Study: VKGL Data-share Consensus. Not counted in ClinVar's aggregate classification.

Genome Diagnostics Laboratory, University Medical Center Utrecht
Classification: Benign. Review status: no assertion criteria provided. Collection method: clinical testing. Allele origin: germline. Affected: yes. Study: VKGL Data-share Consensus. Not counted in ClinVar's aggregate classification.

Joint Genome Diagnostic Labs from Nijmegen and Maastricht, Radboudumc and MUMC+
Classification: Benign. Review status: no assertion criteria provided. Collection method: clinical testing. Allele origin: germline. Affected: yes. Study: VKGL Data-share Consensus. Not counted in ClinVar's aggregate classification.

Laboratory of Diagnostic Genome Analysis, Leiden University Medical Center (LUMC)
Classification: Benign. Review status: no assertion criteria provided. Collection method: clinical testing. Allele origin: germline. Affected: yes. Study: VKGL Data-share Consensus. Not counted in ClinVar's aggregate classification.

NM_001267550.2(TTN):c.8902+14del

Gene: TTN (titin; minus strand). Cytogenetic location: 2q31.2.
Variant type: Deletion.
Coding change: c.8902+14del on transcript NM_001267550.2 (MANE Select); 14 bases into the intron after coding-DNA position 8902, one base deleted (T; older notation c.8902+14delT).
Molecular consequence: intron variant.
Genome position (GRCh38, 1-based): chr2:178,769,665, A deleted on the plus strand (T on the coding strand, the reverse complement: TTN is on the minus strand). VCF-style (leftmost placement, unchanged base first): chr2-178769664-TA-T. GRCh37 (hg19) VCF-style: chr2-179634391-TA-T.
Other names: c.8764+14del (NM_003319.4, NM_133437.4, NM_133432.3); c.8902+14del (NM_001256850.1, NM_133379.5, NM_133378.4); c.8902+14delT (NM_001256850.1).
Identifiers: ClinVar variation 517016 (VCV000517016.23), dbSNP rs573000455, ClinGen allele CA2004503.